The following is an entry in ClinVar:

ClinVar aggregate classification (germline): Uncertain significance (1 of 4 stars; one submission).

Submission:

Labcorp Genetics (formerly Invitae), Labcorp
Classification: Uncertain significance. Last evaluated: 2025-11-27. Review status: criteria provided, single submitter. Criteria: Invitae Variant Classification Sherloc (09022015). Collection method: clinical testing. Allele origin: germline.
Comment: This sequence change replaces methionine, which is neutral and non-polar, with threonine, which is neutral and polar, at codon 280 of the PDE6B protein (p.Met280Thr). This variant is not present in population databases (gnomAD no frequency). This variant has not been reported in the literature in individuals affected with PDE6B-related conditions. Invitae Evidence Modeling of protein sequence and biophysical properties (such as structural, functional, and spatial information, amino acid conservation, physicochemical variation, residue mobility, and thermodynamic stability) has been performed for this missense variant. However, the output from this modeling did not meet the statistical confidence thresholds required to predict the impact of this variant on PDE6B protein function. In summary, the available evidence is currently insufficient to determine the role of this variant in disease. Therefore, it has been classified as a Variant of Uncertain Significance.

NM_000283.4(PDE6B):c.839T>C (p.Met280Thr)

Genes: PDE6B (phosphodiesterase 6B; plus strand), PDE6B-AS1 (PDE6B antisense RNA 1; minus strand). Cytogenetic location: 4p16.3.
Variant type: single nucleotide variant.
Coding change: c.839T>C on transcript NM_000283.4 (MANE Select); coding-DNA position 839, T replaced by C.
Protein change: p.Met280Thr; replaces methionine 280 with threonine.
Molecular consequence: missense variant. On other transcripts: initiator codon variant (4), 5 prime UTR variant (1).
Genome position (GRCh38, 1-based): chr4:653,979, T>C. VCF-style: chr4-653979-T-C. GRCh37 (hg19) VCF-style: chr4-647768-T-C.
Other names: c.839T>C, p.Met280Thr (NM_001145291.2, NM_001440547.1, NM_001440548.1); c.2T>C, p.Met1Thr (NM_001145292.2, NM_001350154.3, NM_001379246.1 and 1 more transcripts); c.-202T>C (NM_001350155.3); short protein forms M1T, M280T.
Identifiers: ClinVar variation 4805102 (VCV004805102.1).
Genomic context (GRCh38, chr4:653,979, plus strand): 5'-CCTTCTACACGGTGCGGGCCTACCTCAACTGCGAGCGGTACTCCGTGGGCCTCCTGGACA[T>C]GACCAAGGAGAAGGTGAGGCTTCCGTGGCTCAGGGACCCCCTGCCTGGCCCGACCCAGGT-3'
Protein context (NP_000274.3, residues 270-290): CERYSVGLLD[Met280Thr]TKEKEFFDVW